The following is an entry in ClinVar:

NM_006031.6(PCNT):c.6151-10T>C

Gene: PCNT (pericentrin; plus strand). Cytogenetic location: 21q22.3.
Variant type: single nucleotide variant.
Coding change: c.6151-10T>C on transcript NM_006031.6 (MANE Select); 10 bases into the intron before coding-DNA position 6151, T replaced by C.
Molecular consequence: intron variant.
Genome position (GRCh38, 1-based): chr21:46,416,059, T>C. VCF-style: chr21-46416059-T-C. GRCh37 (hg19) VCF-style: chr21-47835973-T-C.
Other names: c.6151-10T>C (NM_006031.5); c.5797-10T>C (NM_001315529.2).
Identifiers: ClinVar variation 1968495 (VCV001968495.6), dbSNP rs774377991, ClinGen allele CA10080263.

ClinVar aggregate classification (germline): Likely benign. Review status: criteria provided, multiple submitters, no conflicts (2 of 4 stars). 2 submissions from 2 submitters: Likely benign (2). Last evaluated 2024-12-11.

Conditions:
PCNT-related disorder. Also called: PCNT-related condition.

Allele frequency attached by ClinVar (database versions not stated): ExAC 0.00001; gnomAD exomes 0.00001; TOPMed 0.00002; gnomAD 0.00003.
gnomAD v4.1: 25 of 1,613,810 alleles (0.0015%); highest among the groups gnomAD compares: Non-Finnish European, 0.0019%; no homozygotes.

Submissions (2):

PreventionGenetics, part of Exact Sciences
Classification: Likely benign for PCNT-related condition. Last evaluated: 2024-12-11. Review status: criteria provided, single submitter. Criteria: ACMG Guidelines, 2015. Collection method: clinical testing. Allele origin: germline.
Comment: This variant is classified as likely benign based on ACMG/AMP sequence variant interpretation guidelines (Richards et al. 2015 PMID: 25741868, with internal and published modifications).

Labcorp Genetics (formerly Invitae), Labcorp
Classification: Likely benign. Last evaluated: 2024-09-04. Review status: criteria provided, single submitter. Criteria: Invitae Variant Classification Sherloc (09022015). Collection method: clinical testing. Allele origin: germline.